The following is an entry in ClinVar:

ClinVar aggregate classification (germline): Uncertain significance. Review status: criteria provided, multiple submitters, no conflicts (2 of 4 stars). 2 submissions from 2 submitters: Uncertain significance (2). Last evaluated 2026-07-30.

Conditions:
Hereditary cancer-predisposing syndrome. Also called: Hereditary Cancer Syndrome; Neoplastic Syndromes, Hereditary; Hereditary neoplastic syndrome; Tumor predisposition. Identifiers: Orphanet 140162, MedGen C0027672, MeSH D009386, MONDO:0015356.
Neuroblastoma, susceptibility to, 3. Also called: ALK-Related Neuroblastic Tumor Susceptibility. Identifiers: Orphanet 635, MedGen C2751681, MONDO:0013083, OMIM 613014.

Submissions (2):

Ambry Genetics
Classification: Uncertain significance for Hereditary cancer-predisposing syndrome. Last evaluated: 2026-07-30. Review status: criteria provided, single submitter. Criteria: Ambry Variant Classification Scheme 2023. Collection method: clinical testing. Allele origin: germline.
Comment: The c.4297delG variant, located in coding exon 29 of the ALK gene, results from a deletion of one nucleotide at nucleotide position 4297, causing a translational frameshift with a predicted alternate stop codon (p.E1433Rfs*44). This variant occurs at the 3' terminus of the gene and is not expected to trigger nonsense-mediated mRNA decay. Based on the available evidence, the clinical significance of this variant remains unclear.

Labcorp Genetics (formerly Invitae), Labcorp
Classification: Uncertain significance for Neuroblastoma, susceptibility to, 3. Last evaluated: 2025-10-07. Review status: criteria provided, single submitter. Criteria: Invitae Variant Classification Sherloc (09022015). Collection method: clinical testing. Allele origin: germline.
Comment: This sequence change creates a premature translational stop signal (p.Glu1433Argfs*44) in the ALK gene. While this is not anticipated to result in nonsense mediated decay, it is expected to disrupt the last 188 amino acid(s) of the ALK protein. This variant is present in population databases (rs770888701, gnomAD 0.01%). This premature translational stop signal has been observed in individual(s) with rhabdomyosarcoma (PMID: 33372952). This variant is also known as 2:29416655 TC > T. ClinVar contains an entry for this variant (Variation ID: 1346971). In summary, the available evidence is currently insufficient to determine the role of this variant in disease. Therefore, it has been classified as a Variant of Uncertain Significance.

Literature cited by the submitters: PubMed 33372952 (cited by Labcorp Genetics (formerly Invitae), Labcorp).

NM_004304.5(ALK):c.4297del (p.Glu1433fs)

Gene: ALK (ALK receptor tyrosine kinase; minus strand). Cytogenetic location: 2p23.2.
Variant type: Deletion.
Coding change: c.4297del on transcript NM_004304.5 (MANE Select); coding-DNA position 4297, one base deleted (G; older notation c.4297delG).
Protein change: p.Glu1433fs; shifts the reading frame from glutamic acid 1433.
Molecular consequence: frameshift variant.
Genome position (GRCh38, 1-based): chr2:29,193,790, C deleted on the plus strand (G on the coding strand, the reverse complement: ALK is on the minus strand); the first of 3 consecutive C bases (chr2:29,193,790-29,193,792); deleting any one gives the same sequence. VCF-style (leftmost placement, unchanged base first): chr2-29193789-TC-T. GRCh37 (hg19) VCF-style: chr2-29416655-TC-T.
Other names: c.4297delG (NM_004304.4); c.1093del, p.Glu365fs (NM_001353765.2); short protein forms E1433fs, E365fs.
Identifiers: ClinVar variation 1346971 (VCV001346971.11), dbSNP rs770888701, ClinGen allele CA1593604.